The following is an entry in ClinVar:

NM_000274.4(OAT):c.198del (p.Gly67fs)

Gene: OAT (ornithine aminotransferase; minus strand). Cytogenetic location: 10q26.13.
Variant type: Deletion.
Coding change: c.198del on transcript NM_000274.4 (MANE Select); coding-DNA position 198, one base deleted (A; older notation c.198delA).
Protein change: p.Gly67fs; shifts the reading frame from glycine 67.
Molecular consequence: frameshift variant. On other transcripts: intron variant (2).
Genome position (GRCh38, 1-based): chr10:124,411,974, T deleted on the plus strand (A on the coding strand, the reverse complement: OAT is on the minus strand); the first of 4 consecutive T bases (chr10:124,411,974-124,411,977); deleting any one gives the same sequence. VCF-style (leftmost placement, unchanged base first): chr10-124411973-CT-C. GRCh37 (hg19) VCF-style: chr10-126100542-CT-C.
Other names: c.198del, p.Gly67fs (NM_001322965.2, NM_001322966.2, NM_001322967.2 and 3 more transcripts); c.198del, p.Ala67fs (NM_001322971.2); c.-215-3009del (NM_001171814.2); c.-515-3009del (NM_001322974.2); short protein forms G67fs, A67fs.
Identifiers: ClinVar variation 1457141 (VCV001457141.7), dbSNP rs1432416419, ClinGen allele CA661090613.

ClinVar aggregate classification (germline): Pathogenic/Likely pathogenic. Review status: criteria provided, multiple submitters, no conflicts (2 of 4 stars). 2 submissions from 2 submitters: Pathogenic (1); Likely pathogenic (1). Last evaluated 2023-06-29.

Conditions:
Ornithine aminotransferase deficiency (GACR). Also called: Ornithine ketoacid aminotransferase deficiency; Gyrate atrophy; Gyrate atrophy of choroid and retina; Girate atrophy of the retina; OAT DEFICIENCY; OKT DEFICIENCY. Identifiers: Orphanet 414, MedGen C0018425, MONDO:0009796, OMIM 258870.

Submissions (2):

Baylor Genetics
Classification: Likely pathogenic for Ornithine aminotransferase deficiency. Last evaluated: 2023-06-29. Review status: criteria provided, single submitter. Criteria: ACMG Guidelines, 2015. Collection method: clinical testing. Allele origin: unknown.

Labcorp Genetics (formerly Invitae), Labcorp
Classification: Pathogenic for Ornithine aminotransferase deficiency. Last evaluated: 2021-06-11. Review status: criteria provided, single submitter. Criteria: Invitae Variant Classification Sherloc (09022015). Collection method: clinical testing. Allele origin: germline.
Comment: This variant is not present in population databases (ExAC no frequency). For these reasons, this variant has been classified as Pathogenic. This sequence change creates a premature translational stop signal (p.Gly67Valfs*7) in the OAT gene. It is expected to result in an absent or disrupted protein product. Loss-of-function variants in OAT are known to be pathogenic (PMID: 1737786, 23076989). This variant has not been reported in the literature in individuals with OAT-related conditions.

Literature cited by the submitters: PubMed 1737786 (cited by Labcorp Genetics (formerly Invitae), Labcorp); PubMed 23076989 (cited by Labcorp Genetics (formerly Invitae), Labcorp).